The following is an entry in ClinVar:

ClinVar aggregate classification (germline): Conflicting classifications of pathogenicity. Review status: criteria provided, conflicting classifications (1 of 4 stars). 8 submissions from 8 submitters: Uncertain significance (4); Likely benign (3). 1 of the submissions does not count toward it. Last evaluated 2026-09-13.

Conditions:
COL1A1-related disorder. Also called: COL1A1- related disease; COL1A1-related condition.
Combined osteogenesis imperfecta and Ehlers-Danlos syndrome 1. Also called: OIEDS SYNDROME 1. Identifiers: MedGen C5436842, MONDO:0030854, OMIM 619115.
Cardiovascular phenotype. Identifiers: MedGen CN230736.
Osteogenesis imperfecta type I (OI1). Also called: Osteogenesis imperfecta type 1; Classic Non-deforming Osteogenesis Imperfecta with Blue Sclerae; OI, TYPE I; OSTEOGENESIS IMPERFECTA TARDA; OSTEOGENESIS IMPERFECTA WITH BLUE SCLERAE; Lobstein's Disease. Identifiers: Orphanet 216796, Orphanet 666, MedGen C0023931, MONDO:0008146, OMIM 166200. Disease mechanism: loss of function.

Allele frequency attached by ClinVar (database versions not stated): gnomAD exomes 0.00004 and 0.00006; ExAC 0.00007; gnomAD 0.00009.
gnomAD v4.1: 71 of 1,613,860 alleles (0.0044%); highest among the groups gnomAD compares: Admixed American, 0.018%; 1 homozygote.

Submissions (8):

PreventionGenetics, part of Exact Sciences
Classification: Uncertain significance for COL1A1-related condition. Last evaluated: 2026-09-13. Review status: criteria provided, single submitter. Criteria: ACMG Guidelines, 2015. Collection method: clinical testing. Allele origin: germline.
Comment: The COL1A1 c.3196C>T variant is predicted to result in the amino acid substitution p.Arg1066Cys. This variant was reported in an individual with Ehlers-Danlos syndrome/Osteogenesis imperfecta (Cabral et al. 2007. PubMed ID: 17206620; Ackermann et al. 2017. PubMed ID: 28436160). This variant is reported in 0.087% of alleles in individuals of Ashkenazi Jewish descent in gnomAD. At this time, the clinical significance of this variant is uncertain due to the absence of conclusive functional and genetic evidence.

Women's Health and Genetics/Laboratory Corporation of America, LabCorp
Classification: Likely benign. Last evaluated: 2026-02-24. Review status: criteria provided, single submitter. Criteria: LabCorp Variant Classification Summary - May 2015. Collection method: clinical testing. Allele origin: germline.
Comment: Variant summary: COL1A1 c.3196C>T (p.Arg1066Cys) results in a non-conservative amino acid change in the encoded protein sequence. Algorithms developed to predict the effect of missense changes on protein structure and function all suggest that this variant is likely to be disruptive. The variant allele was found at a frequency of 4.4e-05 in 1613860 control chromosomes, predominantly at a frequency of 0.0011 within the African or African-American subpopulation in the gnomAD database. The observed variant frequency within African or African-American control individuals in the gnomAD database exceeds the estimated maximal expected allele frequency for disease-causing variants in COL1A1. c.3196C>T has been reported in the literature in individuals affected with features of Osteogenesis Imperfecta/Ehlers-Danlos Syndrome (example, Cabral_2007, Ackerman_2017). These reports do not provide unequivocal conclusions about association of the variant with Osteogenesis Imperfecta/Ehlers-Danlos Syndrome. At least one paper reports the co-occurrence of this variant in trans with another putatively pathogenic variant (COL1A1 c.2522delC, p.Pro841Leufs*266), in an affected proband whose carrier father was clinically unaffected, providing supporting evidence for a benign role. To our knowledge, no experimental evidence demonstrating an impact on protein function has been reported. The following publications have been ascertained in the context of this evaluation (PMID: 28436160, 17206620, 18028452, 17211858). ClinVar contains an entry for this variant (Variation ID: 420060). Based on the evidence outlined above, the variant was classified as likely benign.

GeneDx
Classification: Uncertain significance. Last evaluated: 2025-10-21. Review status: criteria provided, single submitter. Criteria: GeneDx Variant Classification Process June 2021. Collection method: clinical testing. Allele origin: germline. Affected: yes.
Comment: Inherited from a clinically unaffected father in three siblings with OI who also had a maternally-inherited pathogenic variant on the opposite allele (in trans); authors theorized it may contribute to the children's phenotype (PMID: 28436160); Located in the Gly-Xaa-Yaa triple helical region of the pro-alpha1(I) chain encoded by the COL1A1 gene, where triplet glycine substitutions are the most common cause of osteogenesis imperfecta (OI). The effect of missense substitution at the X and Y positions are more difficult to predict; however, multiple variants that result in introduction of a Cys residue in pro-alpha1(I) have been reported to be pathogenic (PMID: 9399846); In silico analysis supports that this missense variant has a deleterious effect on protein structure/function; This variant is associated with the following publications: (PMID: 29552444, 28306225, 17206620, 28102596, 31589614, 28436160, 18028452, 9399846, 17211858)

Labcorp Genetics (formerly Invitae), Labcorp
Classification: Likely benign for Osteogenesis imperfecta type I. Last evaluated: 2025-10-14. Review status: criteria provided, single submitter. Criteria: Invitae Variant Classification Sherloc (09022015). Collection method: clinical testing. Allele origin: germline.

ARUP Laboratories, Molecular Genetics and Genomics, ARUP Laboratories
Classification: Uncertain significance. Last evaluated: 2025-02-12. Review status: criteria provided, single submitter. Criteria: ARUP Molecular Germline Variant Investigation Process 2024. Collection method: clinical testing. Allele origin: germline.
Comment: The COL1A1 c.3196C>T; p.Arg1066Cys variant (rs72654799, ClinVar Variation ID: 420060), also known as R888C in traditional nomenclature, is reported in the literature segregating with disease in one small family with osteogenesis imperfecta/Ehlers-Danlos syndrome (Cabral 2007). However, this variant is reported in a different family who also carried a truncating COL1A1 variant in trans, the father who only carried the p.Arg1066Cys variant was asymptomatic (Ackermann 2017). This variant is found in the general population with an overall allele frequency of 0.006% (18/281,284 alleles) in the Genome Aggregation Database (v2.1.1). This variant is in the Y position of the Gly-X-Y triplet repeats domain, and functional analyses of the variant protein show inefficiently formed disulfide-bonded dimers of the alpha(1) chains but was secreted normally from cells and rapidly incorporated into the matrix (Cabral 2007). Computational analyses predict that this variant is deleterious (REVEL: 0.922). Due to conflicting information, the clinical significance of this variant is uncertain at this time. References: Ackermann AM et al. Compound heterozygous mutations in COL1A1 associated with an atypical form of type I osteogenesis imperfecta. Am J Med Genet A. 2017 Jul;173(7):1907-1912. PMID: 28436160. Cabral WA et al. Y-position cysteine substitution in type I collagen (alpha1(I) R888C/p.R1066C) is associated with osteogenesis imperfecta/Ehlers-Danlos syndrome phenotype. Hum Mutat. 2007 Apr;28(4):396-405. PMID: 17206620.

CeGaT Center for Human Genetics Tuebingen
Classification: Uncertain significance. Last evaluated: 2023-09-01. Review status: criteria provided, single submitter. Criteria: CeGaT Center For Human Genetics Tuebingen Variant Classification Criteria Version 2. Collection method: clinical testing. Allele origin: germline. Affected: yes. Observed: 1 variant allele.

Ambry Genetics
Classification: Likely benign for Cardiovascular phenotype. Last evaluated: 2020-09-28. Review status: criteria provided, single submitter. Criteria: Ambry Variant Classification Scheme 2023. Collection method: clinical testing. Allele origin: germline.

OMIM
Classification: Pathogenic for COMBINED OSTEOGENESIS IMPERFECTA AND EHLERS-DANLOS SYNDROME 1. Last evaluated: 2020-12-10. Review status: no assertion criteria provided. Collection method: literature only. Allele origin: germline. Not counted in ClinVar's aggregate classification.

Literature cited by the submitters: PubMed 17211858 (cited by Women's Health and Genetics/Laboratory Corporation of America, LabCorp); PubMed 17206620 (cited by 3 submitters); PubMed 18028452 (cited by Women's Health and Genetics/Laboratory Corporation of America, LabCorp); PubMed 28436160 (cited by Women's Health and Genetics/Laboratory Corporation of America, LabCorp and Ambry Genetics).

NM_000088.4(COL1A1):c.3196C>T (p.Arg1066Cys)

Gene: COL1A1 (collagen type I alpha 1 chain; minus strand). Cytogenetic location: 17q21.33.
Variant type: single nucleotide variant.
Coding change: c.3196C>T on transcript NM_000088.4 (MANE Select); coding-DNA position 3196, C replaced by T.
Protein change: p.Arg1066Cys; replaces arginine 1066 with cysteine.
Molecular consequence: missense variant.
Genome position (GRCh38, 1-based): chr17:50,188,541, G>A on the plus strand (C>T on the coding strand, the complement: COL1A1 is on the minus strand). VCF-style: chr17-50188541-G-A. GRCh37 (hg19) VCF-style: chr17-48265902-G-A.
Other names: R888C; short protein forms R1066C.
Identifiers: ClinVar variation 420060 (VCV000420060.48), dbSNP rs72654799, ClinGen allele CA8644546.
Genomic context (GRCh38, chr17:50,188,541, plus strand): 5'-AGAGTCCCTGGCCTGACCAGGTACAGGGAACTGGAGCCCAGCTACTTACAGTCTCACCAC[G>A]ATCACCACTCTTGCCAGCAGGGCCAACGGGGCCAGGGGCACCAGGAGCACCAGGAGCACC-3'
Protein context (NP_000079.2, residues 1056-1076): PVGPAGKSGD[Arg1066Cys]GETGPAGPAG